The following is an entry in ClinVar:

ClinVar aggregate classification (germline): Conflicting classifications of pathogenicity. Review status: criteria provided, conflicting classifications (1 of 4 stars). 12 submissions from 12 submitters: Uncertain significance (4); Likely benign (6). 2 of the submissions do not count toward it. Last evaluated 2026-05-22.

Conditions:
EVC-related disorder. Also called: EVC-related condition; EVC-related disorders.
Inborn genetic diseases. Identifiers: MedGen C0950123, MeSH D030342.
Ellis-van Creveld syndrome (EVC). Also called: MESOECTODERMAL DYSPLASIA; Chondroectodermal dysplasia. Identifiers: Orphanet 289, MedGen C0013903, MONDO:0009162, OMIM 225500.
Curry-Hall syndrome (WAD). Also called: WEYERS ACRODENTAL DYSOSTOSIS. Identifiers: Orphanet 952, MedGen C0457013, MONDO:0008673, OMIM 193530.

Allele frequency attached by ClinVar (database versions not stated): 1000 Genomes Project 30x 0.00094; 1000 Genomes Project 0.00100; ExAC 0.00159; gnomAD exomes 0.00173 and 0.00322; gnomAD 0.00192 and 0.00201; TOPMed 0.00198; ESP Exome Variant Server 0.00227.
gnomAD v4.1: 4,759 of 1,553,106 alleles (0.31%); highest among the groups gnomAD compares: Non-Finnish European, 0.39%; 7 homozygotes.

Submissions (12):

Women's Health and Genetics/Laboratory Corporation of America, LabCorp
Classification: Likely benign. Last evaluated: 2026-05-22. Review status: criteria provided, single submitter. Criteria: LabCorp Variant Classification Summary - May 2015. Collection method: clinical testing. Allele origin: germline.
Comment: Variant summary: EVC c.1826G>A (p.Arg609Gln) results in a conservative amino acid change in the encoded protein sequence. Algorithms developed to predict the effect of missense changes on protein structure and function all suggest that this variant is likely to be tolerated. The variant allele was found at a frequency of 0.0031 in 1553106 control chromosomes, predominantly at a frequency of 0.0039 within the Non-Finnish European subpopulation in the gnomAD database, including 7 homozygotes. To our knowledge, no occurrence of c.1826G>A in individuals affected with EVC-related conditions and no experimental evidence demonstrating its impact on protein function have been reported. ClinVar contains an entry for this variant (Variation ID: 194282). Based on the evidence outlined above, the variant was classified as likely benign.

Labcorp Genetics (formerly Invitae), Labcorp
Classification: Likely benign for Curry-Hall syndrome; Ellis-van Creveld syndrome. Last evaluated: 2026-01-28. Review status: criteria provided, single submitter. Criteria: Invitae Variant Classification Sherloc (09022015). Collection method: clinical testing. Allele origin: germline.

CeGaT Center for Human Genetics Tuebingen
Classification: Likely benign. Last evaluated: 2025-07-01. Review status: criteria provided, single submitter. Criteria: CeGaT Center For Human Genetics Tuebingen Variant Classification Criteria Version 2. Collection method: clinical testing. Allele origin: germline. Affected: yes. Observed: 5 variant alleles.
Comment: EVC: BP4, BS2

ARUP Laboratories, Molecular Genetics and Genomics, ARUP Laboratories
Classification: Likely benign. Last evaluated: 2025-05-23. Review status: criteria provided, single submitter. Criteria: ARUP Molecular Germline Variant Investigation Process 2024. Collection method: clinical testing. Allele origin: germline.

Blueprint Genetics
Classification: Likely benign. Last evaluated: 2024-11-25. Review status: criteria provided, single submitter. Criteria: ACMG Guidelines, 2015. Collection method: clinical testing. Allele origin: germline.

Ambry Genetics
Classification: Uncertain significance for Inborn genetic diseases. Last evaluated: 2021-07-15. Review status: criteria provided, single submitter. Criteria: Ambry Variant Classification Scheme 2023. Collection method: clinical testing. Allele origin: germline.

GeneDx
Classification: Likely benign. Last evaluated: 2021-01-23. Review status: criteria provided, single submitter. Criteria: GeneDx Variant Classification Process June 2021. Collection method: clinical testing. Allele origin: germline. Affected: yes.

Illumina Laboratory Services, Illumina
Classification: Uncertain significance for Ellis-van Creveld syndrome. Last evaluated: 2018-01-13. Review status: criteria provided, single submitter. Criteria: ICSL Variant Classification Criteria 13 December 2019. Collection method: clinical testing. Allele origin: germline.

Genetic Services Laboratory, University of Chicago
Classification: Uncertain significance. Last evaluated: 2017-04-25. Review status: criteria provided, single submitter. Criteria: ACMG Guidelines, 2015. Collection method: clinical testing. Allele origin: germline. Affected: no.

Eurofins Ntd Llc (ga)
Classification: Uncertain significance. Last evaluated: 2015-02-13. Review status: criteria provided, single submitter. Criteria: EGL Classification Definitions 2015. Collection method: clinical testing. Allele origin: germline. Observed: 2 variant alleles, 2 heterozygotes.

PreventionGenetics, part of Exact Sciences
Classification: Likely benign for EVC-related condition. Last evaluated: 2022-11-07. Review status: no assertion criteria provided. Collection method: clinical testing. Allele origin: germline. Not counted in ClinVar's aggregate classification.
Comment: This variant is classified as likely benign based on ACMG/AMP sequence variant interpretation guidelines (Richards et al. 2015 PMID: 25741868, with internal and published modifications).

Natera, Inc.
Classification: Uncertain significance for Ellis-van Creveld syndrome. Last evaluated: 2020-01-17. Review status: no assertion criteria provided. Collection method: clinical testing. Allele origin: germline. Not counted in ClinVar's aggregate classification.

NM_153717.3(EVC):c.1826G>A (p.Arg609Gln)

Gene: EVC (EvC ciliary complex subunit 1; plus strand). Cytogenetic location: 4p16.2.
Variant type: single nucleotide variant.
Coding change: c.1826G>A on transcript NM_153717.3 (MANE Select); coding-DNA position 1826, G replaced by A.
Protein change: p.Arg609Gln; replaces arginine 609 with glutamine.
Molecular consequence: missense variant.
Genome position (GRCh38, 1-based): chr4:5,793,657, G>A. VCF-style: chr4-5793657-G-A. GRCh37 (hg19) VCF-style: chr4-5795384-G-A.
Other names: c.1826G>A, p.Arg609Gln (NM_001306090.2); short protein forms R609Q.
Identifiers: ClinVar variation 194282 (VCV000194282.77), dbSNP rs41269557, ClinGen allele CA240165.
Genomic context (GRCh38, chr4:5,793,657, plus strand): 5'-CCCGAGTTCAGGTGTGGATGGAGGAGTGTGCGCTGTCCAGCGTGCTGCAGACACACCTGC[G>A]GGAGGACCACGAGGGCACCATCCGCGGCGTCTTGGGCCGACTGGGCGGCCTCACTGAAGA-3'
Protein context (NP_714928.1, residues 599-619): ALSSVLQTHL[Arg609Gln]EDHEGTIRGV